The following is an entry in ClinVar:

ClinVar aggregate classification (germline): Uncertain significance (1 of 4 stars; one submission).

Conditions:
Inborn genetic diseases. Identifiers: MedGen C0950123, MeSH D030342.

Submission:

Ambry Genetics
Classification: Uncertain significance for Inborn genetic diseases. Last evaluated: 2023-09-17. Review status: criteria provided, single submitter. Criteria: Ambry Variant Classification Scheme 2023. Collection method: clinical testing. Allele origin: germline.
Comment: The p.A108S variant (also known as c.322G>T), located in coding exon 5 of the ERCC2 gene, results from a G to T substitution at nucleotide position 322. The alanine at codon 108 is replaced by serine, an amino acid with similar properties. This amino acid position is conserved. In addition, this alteration is predicted to be tolerated by in silico analysis. Since supporting evidence is limited at this time, the clinical significance of this alteration remains unclear.

NM_000400.4(ERCC2):c.322G>T (p.Ala108Ser)

Gene: ERCC2 (ERCC excision repair 2, TFIIH core complex helicase subunit; minus strand). Cytogenetic location: 19q13.32.
Variant type: single nucleotide variant.
Coding change: c.322G>T on transcript NM_000400.4 (MANE Select); coding-DNA position 322, G replaced by T.
Protein change: p.Ala108Ser; replaces alanine 108 with serine.
Molecular consequence: missense variant.
Genome position (GRCh38, 1-based): chr19:45,368,668, C>A on the plus strand (G>T on the coding strand, the complement: ERCC2 is on the minus strand). VCF-style: chr19-45368668-C-A. GRCh37 (hg19) VCF-style: chr19-45871926-C-A.
Other names: c.250G>T, p.Ala84Ser (NM_001130867.2); short protein forms A84S, A108S.
Identifiers: ClinVar variation 1729184 (VCV001729184.2), dbSNP rs771447173, ClinGen allele CA406378202.